The following is an entry in ClinVar:

NM_001035.3(RYR2):c.10035G>C (p.Arg3345Ser)

Gene: RYR2 (ryanodine receptor 2; plus strand). Cytogenetic location: 1q43.
Variant type: single nucleotide variant.
Coding change: c.10035G>C on transcript NM_001035.3 (MANE Select); coding-DNA position 10035, G replaced by C.
Protein change: p.Arg3345Ser; replaces arginine 3345 with serine.
Molecular consequence: missense variant.
Genome position (GRCh38, 1-based): chr1:237,708,991, G>C. VCF-style: chr1-237708991-G-C. GRCh37 (hg19) VCF-style: chr1-237872291-G-C.
Other names: c.10035G>C (NM_001035.2); short protein forms R3345S.
Identifiers: ClinVar variation 927560 (VCV000927560.21), dbSNP rs754976419, ClinGen allele CA077084.

ClinVar aggregate classification (germline): Uncertain significance. Review status: criteria provided, multiple submitters, no conflicts (2 of 4 stars). 5 submissions from 5 submitters: Uncertain significance (5). Last evaluated 2025-09-24.

Conditions:
Catecholaminergic polymorphic ventricular tachycardia (CVPT). Also called: Catecholamine-induced polymorphic ventricular tachycardia. Identifiers: Orphanet 3286, MedGen C5574922, MONDO:0017990.
Cardiovascular phenotype. Identifiers: MedGen CN230736.
Cardiomyopathy (CMYO). Also called: Cardiomyopathies. Identifiers: Orphanet 167848, MedGen C0878544, MONDO:0004994, HP:0001638. Inheritance: Various modes of inheritance.
Catecholaminergic polymorphic ventricular tachycardia 1. Also called: VENTRICULAR TACHYCARDIA, CATECHOLAMINERGIC POLYMORPHIC, 1, WITH OR WITHOUT ATRIAL DYSFUNCTION AND/OR DILATED CARDIOMYOPATHY; VENTRICULAR TACHYCARDIA, STRESS-INDUCED POLYMORPHIC 1; RYR2-Related Catecholaminergic Polymorphic Ventricular Tachycardia. Identifiers: Orphanet 3286, MedGen C1631597, MONDO:0011484, OMIM 604772.

gnomAD v4.1: 9 of 1,613,812 alleles (0.00056%); highest among the groups gnomAD compares: Admixed American, 0.005%; no homozygotes.

Submissions (5):

GeneDx
Classification: Uncertain significance. Last evaluated: 2025-09-24. Review status: criteria provided, single submitter. Criteria: GeneDx Variant Classification Process June 2021. Collection method: clinical testing. Allele origin: germline. Affected: yes.
Comment: Reported in a heterozygous individual who underwent clinical whole exome sequencing, however, clinical details regarding the indication for testing were not available (PMID: 28404607); Not observed at significant frequency in large population cohorts (gnomAD); In silico analysis supports that this missense variant has a deleterious effect on protein structure/function; Not located in one of the three hot-spot regions of the RYR2 gene, where the majority of pathogenic missense variants occur (PMID: 19926015); This variant is associated with the following publications: (PMID: 19926015, 28404607)

Labcorp Genetics (formerly Invitae), Labcorp
Classification: Uncertain significance for Catecholaminergic polymorphic ventricular tachycardia 1. Last evaluated: 2025-04-08. Review status: criteria provided, single submitter. Criteria: Invitae Variant Classification Sherloc (09022015). Collection method: clinical testing. Allele origin: germline.
Comment: This sequence change replaces arginine, which is basic and polar, with serine, which is neutral and polar, at codon 3345 of the RYR2 protein (p.Arg3345Ser). This variant is present in population databases (rs754976419, gnomAD 0.006%). This missense change has been observed in individual(s) with autosomal dominant RYR2-related conditions (internal data). ClinVar contains an entry for this variant (Variation ID: 927560). Invitae Evidence Modeling of protein sequence and biophysical properties (such as structural, functional, and spatial information, amino acid conservation, physicochemical variation, residue mobility, and thermodynamic stability) indicates that this missense variant is not expected to disrupt RYR2 protein function with a negative predictive value of 95%. In summary, the available evidence is currently insufficient to determine the role of this variant in disease. Therefore, it has been classified as a Variant of Uncertain Significance.

All of Us Research Program, National Institutes of Health
Classification: Uncertain significance for Catecholaminergic polymorphic ventricular tachycardia. Last evaluated: 2024-09-27. Review status: criteria provided, single submitter. Criteria: ACMG Guidelines, 2015. Collection method: clinical testing. Allele origin: germline. Inheritance: Autosomal dominant inheritance. Observed: 5 variant alleles, 5 heterozygotes.
Comment: This missense variant replaces arginine with serine at codon 3345 of the RYR2 protein. Computational prediction is inconclusive regarding the impact of this variant on protein structure and function (internally defined REVEL score threshold 0.5 < inconclusive < 0.7, PMID: 27666373). Splice site prediction tools suggest that this variant may not impact RNA splicing. To our knowledge, functional studies have not been performed for this variant. This variant has not been reported in individuals affected with cardiovascular disorders in the literature. This variant has been identified in 3/248648 chromosomes in the general population by the Genome Aggregation Database (gnomAD). The available evidence is insufficient to determine the role of this variant in disease conclusively. Therefore, this variant is classified as a Variant of Uncertain Significance.

This study involves interpretation of variants in research participants for the purpose of population health screening. Participant phenotype was not available at the time of variant classification. Additional details can be found in publication PMID: 35346344, PMCID: PMC8962531

Color Diagnostics, LLC DBA Color Health
Classification: Uncertain significance for Cardiomyopathy. Last evaluated: 2024-06-27. Review status: criteria provided, single submitter. Criteria: ACMG Guidelines, 2015. Collection method: clinical testing. Allele origin: germline.
Comment: This missense variant replaces arginine with serine at codon 3345 of the RYR2 protein. Computational prediction is inconclusive regarding the impact of this variant on protein structure and function (internally defined REVEL score threshold 0.5 < inconclusive < 0.7, PMID: 27666373). To our knowledge, functional studies have not been reported for this variant. This variant has not been reported in individuals affected with RYR2-related disorders in the literature. This variant has been identified in 3/248648 chromosomes in the general population by the Genome Aggregation Database (gnomAD). The available evidence is insufficient to determine the role of this variant in disease conclusively. Therefore, this variant is classified as a Variant of Uncertain Significance.

Ambry Genetics
Classification: Uncertain significance for Cardiovascular phenotype. Last evaluated: 2022-06-06. Review status: criteria provided, single submitter. Criteria: Ambry Variant Classification Scheme 2023. Collection method: clinical testing. Allele origin: germline.
Comment: The p.R3345S variant (also known as c.10035G>C), located in coding exon 69 of the RYR2 gene, results from a G to C substitution at nucleotide position 10035. The arginine at codon 3345 is replaced by serine, an amino acid with dissimilar properties. This variant has been detected in an exome sequencing cohort; however, details were limited (Landstrom AP et al. Circ Arrhythm Electrophysiol, 2017 Apr;10:). This amino acid position is well conserved in available vertebrate species. In addition, this alteration is predicted to be deleterious by in silico analysis. Since supporting evidence is limited at this time, the clinical significance of this alteration remains unclear.

Literature cited by the submitters: PubMed 28404607 (cited by Ambry Genetics).